The following is an entry in ClinVar:

ClinVar aggregate classification (germline): Uncertain significance (1 of 4 stars; one submission).

Conditions:
Genitopatellar syndrome (GTPTS). Also called: ABSENT PATELLAE, SCROTAL HYPOPLASIA, RENAL ANOMALIES, FACIAL DYSMORPHISM, AND MENTAL RETARDATION; Genitopatellar syndrome (GPS). Identifiers: Orphanet 85201, MedGen C1853566, MONDO:0011640, OMIM 606170.

Allele frequency attached by ClinVar (database versions not stated): gnomAD exomes below 0.00001; gnomAD 0.00001; TOPMed 0.00001.
gnomAD v4.1: 3 of 1,614,058 alleles (0.00019%); highest among the groups gnomAD compares: East Asian, 0.0022%; no homozygotes.

Submission:

Labcorp Genetics (formerly Invitae), Labcorp
Classification: Uncertain significance for Genitopatellar syndrome. Last evaluated: 2022-10-18. Review status: criteria provided, single submitter. Criteria: Invitae Variant Classification Sherloc (09022015). Collection method: clinical testing. Allele origin: germline.
Comment: Advanced modeling of protein sequence and biophysical properties (such as structural, functional, and spatial information, amino acid conservation, physicochemical variation, residue mobility, and thermodynamic stability) performed at Invitae indicates that this missense variant is not expected to disrupt KAT6B protein function. This sequence change replaces isoleucine, which is neutral and non-polar, with valine, which is neutral and non-polar, at codon 990 of the KAT6B protein (p.Ile990Val). This variant is not present in population databases (gnomAD no frequency). This variant has not been reported in the literature in individuals affected with KAT6B-related conditions. In summary, the available evidence is currently insufficient to determine the role of this variant in disease. Therefore, it has been classified as a Variant of Uncertain Significance.

NM_012330.4(KAT6B):c.2968A>G (p.Ile990Val)

Gene: KAT6B (lysine acetyltransferase 6B; plus strand). Cytogenetic location: 10q22.2.
Variant type: single nucleotide variant.
Coding change: c.2968A>G on transcript NM_012330.4 (MANE Select); coding-DNA position 2968, A replaced by G.
Protein change: p.Ile990Val; replaces isoleucine 990 with valine.
Molecular consequence: missense variant.
Genome position (GRCh38, 1-based): chr10:75,021,232, A>G. VCF-style: chr10-75021232-A-G. GRCh37 (hg19) VCF-style: chr10-76780990-A-G.
Other names: c.2419A>G, p.Ile807Val (NM_001256468.2, NM_001370138.1); c.2092A>G, p.Ile698Val (NM_001256469.2, NM_001370139.1, NM_001370140.1 and 2 more transcripts); c.1930A>G, p.Ile644Val (NM_001370132.1); c.1279A>G, p.Ile427Val (NM_001370133.1); c.883A>G, p.Ile295Val (NM_001370134.1); c.625A>G, p.Ile209Val (NM_001370135.1); c.2968A>G, p.Ile990Val (NM_001370136.1, NM_001370137.1); c.1903A>G, p.Ile635Val (NM_001370143.1, NM_001370144.1); short protein forms I807V, I295V, I635V, I427V, I644V, I990V, I209V, I698V.
Identifiers: ClinVar variation 2985838 (VCV002985838.3), dbSNP rs1845384425, ClinGen allele CA377282381.
Genomic context (GRCh38, chr10:75,021,232, plus strand): 5'-AAGCTGAAAACCTGTTCCAGAGCCAATGAACTTGATCCAGACAGTCTGAGGTGGACCCCA[A>G]TTTTAATTTCTAATGCTGCAGTGTCTGAAGAAGAGCGAGAAGCTGAGAAAGAGGTAATGA-3'
Protein context (NP_036462.2, residues 980-1000): LDPDSLRWTP[Ile990Val]LISNAAVSEE